The following is an entry in ClinVar:

ClinVar aggregate classification (germline): Benign/Likely benign. Review status: criteria provided, multiple submitters, no conflicts (2 of 4 stars). 18 submissions from 18 submitters: Benign (9); Likely benign (5). 4 of the submissions do not count toward it. Last evaluated 2026-03-01.

Conditions:
Familial isolated arrhythmogenic right ventricular dysplasia. Identifiers: Orphanet 217656, MedGen C4274968, MONDO:0016342.
Cardiomyopathy (CMYO). Also called: Cardiomyopathies. Identifiers: Orphanet 167848, MedGen C0878544, MONDO:0004994, HP:0001638. Inheritance: Various modes of inheritance.
Arrhythmogenic right ventricular dysplasia 11. Also called: Arrhythmogenic Right Ventricular Dysplasia/Cardiomyopathy11; Arrhythmogenic right ventricular dysplasia 11 with mild palmoplantar keratoderma and woolly hair; ARRHYTHMOGENIC RIGHT VENTRICULAR DYSPLASIA, FAMILIAL, 11. Identifiers: MedGen C1864850, MONDO:0012506, OMIM 610476.

Allele frequency attached by ClinVar (database versions not stated): gnomAD exomes 0.00020 and 0.00051; ExAC 0.00061; 1000 Genomes Project 30x 0.00141; 1000 Genomes Project 0.00160; gnomAD 0.00180 and 0.00194; TOPMed 0.00188; ESP Exome Variant Server 0.00231.
gnomAD v4.1: 587 of 1,613,952 alleles (0.036%); highest among the groups gnomAD compares: African/African-American, 0.6%; 2 homozygotes.

Submissions (18):

CeGaT Center for Human Genetics Tuebingen
Classification: Likely benign. Last evaluated: 2026-03-01. Review status: criteria provided, single submitter. Criteria: CeGaT Center For Human Genetics Tuebingen Variant Classification Criteria Version 2. Collection method: clinical testing. Allele origin: germline. Affected: yes. Observed: 6 variant alleles.
Comment: DSC2: BP4, BS2

Labcorp Genetics (formerly Invitae), Labcorp
Classification: Benign for Arrhythmogenic right ventricular dysplasia 11. Last evaluated: 2026-02-02. Review status: criteria provided, single submitter. Criteria: Invitae Variant Classification Sherloc (09022015). Collection method: clinical testing. Allele origin: germline.

Molecular Diagnostic Laboratory for Inherited Cardiovascular Disease, Montreal Heart Institute
Classification: Benign. Last evaluated: 2025-04-09. Review status: criteria provided, single submitter. Criteria: ACMG Guidelines, 2015. Collection method: clinical testing. Allele origin: germline. Affected: no.
Comment: BS1;BP6;BP7

Blueprint Genetics
Classification: Likely benign. Last evaluated: 2024-11-11. Review status: criteria provided, single submitter. Criteria: ACMG Guidelines, 2015. Collection method: clinical testing. Allele origin: germline.

All of Us Research Program, National Institutes of Health
Classification: Benign for Familial isolated arrhythmogenic right ventricular dysplasia. Last evaluated: 2024-02-05. Review status: criteria provided, single submitter. Criteria: ACMG Guidelines, 2015. Collection method: clinical testing. Allele origin: germline. Inheritance: Autosomal dominant inheritance. Observed: 110 variant alleles, 110 heterozygotes.
Comment: This study involves interpretation of variants in research participants for the purpose of population health screening. Participant phenotype was not available at the time of variant classification. Additional details can be found in publication PMID: 35346344, PMCID: PMC8962531

ARUP Laboratories, Molecular Genetics and Genomics, ARUP Laboratories
Classification: Likely benign. Last evaluated: 2023-12-07. Review status: criteria provided, single submitter. Criteria: ARUP Molecular Germline Variant Investigation Process 2024. Collection method: clinical testing. Allele origin: germline.

CHEO Genetics Diagnostic Laboratory, Children's Hospital of Eastern Ontario
Classification: Benign for Cardiomyopathy. Last evaluated: 2023-01-05. Review status: criteria provided, single submitter. Criteria: ACMG Guidelines, 2015. Collection method: clinical testing. Allele origin: germline.

Women's Health and Genetics/Laboratory Corporation of America, LabCorp
Classification: Benign. Last evaluated: 2020-08-24. Review status: criteria provided, single submitter. Criteria: LabCorp Variant Classification Summary - May 2015. Collection method: clinical testing. Allele origin: germline.

Illumina Laboratory Services, Illumina
Classification: Benign for Arrhythmogenic right ventricular dysplasia 11. Last evaluated: 2018-12-19. Review status: criteria provided, single submitter. Criteria: ICSL Variant Classification Criteria 13 December 2019. Collection method: clinical testing. Allele origin: germline.
Comment: This variant was observed as part of a predisposition screen in an ostensibly healthy population. A literature search was performed for the gene, cDNA change, and amino acid change (where applicable). No publications were found based on this search. Allele frequency data from public databases was too high to be consistent with this variant causing disease. Therefore, this variant is classified as benign.

Color Diagnostics, LLC DBA Color Health
Classification: Benign for Cardiomyopathy. Last evaluated: 2018-10-16. Review status: criteria provided, single submitter. Criteria: ACMG Guidelines, 2015. Collection method: clinical testing. Allele origin: germline.

Eurofins Ntd Llc (ga)
Classification: Likely benign. Last evaluated: 2015-09-29. Review status: criteria provided, single submitter. Criteria: EGL Classification Definitions 2015. Collection method: clinical testing. Allele origin: germline. Observed: 1 variant allele, 1 heterozygote.

GeneDx
Classification: Benign. Last evaluated: 2015-06-29. Review status: criteria provided, single submitter. Criteria: GeneDx Variant Classification (06012015). Collection method: clinical testing. Allele origin: germline. Affected: yes.
Comment: This variant is considered likely benign or benign based on one or more of the following criteria: it is a conservative change, it occurs at a poorly conserved position in the protein, it is predicted to be benign by multiple in silico algorithms, and/or has population frequency not consistent with disease.

Laboratory for Molecular Medicine, Mass General Brigham Personalized Medicine
Classification: Benign. Last evaluated: 2012-03-19. Review status: criteria provided, single submitter. Criteria: LMM Criteria. Collection method: clinical testing. Allele origin: germline. Observed: 3 variant alleles.
Comment: p.Cys872Cys in Exon 16 of DSC2: This variant is not expected to have clinical si gnificance because it does not alter an amino acid residue, is not located withi n the splice consensus sequence and has been identified in 0.6% (21/3738) of Afr ican American chromosomes from a broad population by the NHLBI Exome Sequencing Project (dbSNP rs61731920).

Breakthrough Genomics
Classification: Likely benign. Review status: criteria provided, single submitter. Criteria: ACMG Guidelines, 2015. Collection method: not provided. Allele origin: germline. Inheritance: Autosomal dominant inheritance. Affected: yes.

Clinical Genetics, Academic Medical Center
Classification: Benign. Review status: no assertion criteria provided. Collection method: clinical testing. Allele origin: germline. Affected: yes. Study: VKGL Data-share Consensus. Not counted in ClinVar's aggregate classification.

Diagnostic Laboratory, Department of Genetics, University Medical Center Groningen
Classification: Likely benign for Arrhythmogenic right ventricular dysplasia 11. Review status: no assertion criteria provided. Collection method: clinical testing. Allele origin: germline. Affected: yes. Study: VKGL Data-share Consensus. Not counted in ClinVar's aggregate classification.

Genome Diagnostics Laboratory, University Medical Center Utrecht
Classification: Likely benign. Review status: no assertion criteria provided. Collection method: clinical testing. Allele origin: germline. Affected: yes. Study: VKGL Data-share Consensus. Not counted in ClinVar's aggregate classification.

Joint Genome Diagnostic Labs from Nijmegen and Maastricht, Radboudumc and MUMC+
Classification: Benign. Review status: no assertion criteria provided. Collection method: clinical testing. Allele origin: germline. Affected: yes. Study: VKGL Data-share Consensus. Not counted in ClinVar's aggregate classification.

NM_024422.6(DSC2):c.2616C>T (p.Cys872=)

Gene: DSC2 (desmocollin 2; minus strand). Cytogenetic location: 18q12.1.
Variant type: single nucleotide variant.
Coding change: c.2616C>T on transcript NM_024422.6 (MANE Select); coding-DNA position 2616, C replaced by T.
Protein change: p.Cys872=; no amino-acid change (cysteine 872 retained).
Molecular consequence: synonymous variant. On other transcripts: 3 prime UTR variant (1).
Genome position (GRCh38, 1-based): chr18:31,068,105, G>A on the plus strand (C>T on the coding strand, the complement: DSC2 is on the minus strand). VCF-style: chr18-31068105-G-A. GRCh37 (hg19) VCF-style: chr18-28648071-G-A.
Other names: c.*118C>T (NM_004949.5).
Identifiers: ClinVar variation 46184 (VCV000046184.65), dbSNP rs61731920, ClinGen allele CA022425.